The following is an entry in ClinVar:

ClinVar aggregate classification (germline): Uncertain significance. Review status: criteria provided, multiple submitters, no conflicts (2 of 4 stars). 3 submissions from 3 submitters: Uncertain significance (3). Last evaluated 2026-01-13.

Conditions:
Inborn genetic diseases. Identifiers: MedGen C0950123, MeSH D030342.
Combined oxidative phosphorylation defect type 14. Also called: Combined oxidative phosphorylation deficiency 14. Identifiers: Orphanet 319519, MedGen C4755312, MONDO:0013986, OMIM 614946.

Allele frequency attached by ClinVar (database versions not stated): TOPMed 0.00011; gnomAD 0.00015 and 0.00017; ESP Exome Variant Server 0.00023; gnomAD exomes 0.00047.
gnomAD v4.1: 688 of 1,613,986 alleles (0.043%); highest among the groups gnomAD compares: Non-Finnish European, 0.057%; 1 homozygote.

Submissions (3):

Labcorp Genetics (formerly Invitae), Labcorp
Classification: Uncertain significance for Combined oxidative phosphorylation defect type 14. Last evaluated: 2026-01-13. Review status: criteria provided, single submitter. Criteria: Invitae Variant Classification Sherloc (09022015). Collection method: clinical testing. Allele origin: germline.
Comment: This sequence change replaces proline, which is neutral and non-polar, with leucine, which is neutral and non-polar, at codon 108 of the FARS2 protein (p.Pro108Leu). This variant is present in population databases (rs374957295, gnomAD 0.02%). This variant has not been reported in the literature in individuals affected with FARS2-related conditions. ClinVar contains an entry for this variant (Variation ID: 214329). Invitae Evidence Modeling of protein sequence and biophysical properties (such as structural, functional, and spatial information, amino acid conservation, physicochemical variation, residue mobility, and thermodynamic stability) has been performed for this missense variant. However, the output from this modeling did not meet the statistical confidence thresholds required to predict the impact of this variant on FARS2 protein function. In summary, the available evidence is currently insufficient to determine the role of this variant in disease. Therefore, it has been classified as a Variant of Uncertain Significance.

Ambry Genetics
Classification: Uncertain significance for Inborn genetic diseases. Last evaluated: 2024-11-11. Review status: criteria provided, single submitter. Criteria: Ambry Variant Classification Scheme 2023. Collection method: clinical testing. Allele origin: germline.

Blueprint Genetics
Classification: Uncertain significance. Last evaluated: 2024-06-19. Review status: criteria provided, single submitter. Criteria: ACMG Guidelines, 2015. Collection method: clinical testing. Allele origin: germline.

NM_006567.5(FARS2):c.323C>T (p.Pro108Leu)

Genes: FARS2 (phenylalanyl-tRNA synthetase 2, mitochondrial; plus strand), LOC126859565 (CDK7 strongly-dependent group 2 enhancer GRCh37_chr6:5368745-5369944; plus strand). Cytogenetic location: 6p25.1.
Variant type: single nucleotide variant.
Coding change: c.323C>T on transcript NM_006567.5 (MANE Select); coding-DNA position 323, C replaced by T.
Protein change: p.Pro108Leu; replaces proline 108 with leucine.
Molecular consequence: missense variant. On other transcripts: intron variant (2).
Genome position (GRCh38, 1-based): chr6:5,368,893, C>T. VCF-style: chr6-5368893-C-T. GRCh37 (hg19) VCF-style: chr6-5369126-C-T.
Other names: c.323C>T, p.Pro108Leu (NM_001318872.2, NM_001374875.1, NM_001374876.1 and 5 more transcripts); c.-340-27740C>T (NM_001375260.1); c.-84-35649C>T (NM_001375259.1); short protein forms P108L.
Identifiers: ClinVar variation 214329 (VCV000214329.11), dbSNP rs374957295, ClinGen allele CA324381.